The following is an entry in ClinVar:

NM_001386140.1(MTTP):c.854C>G (p.Thr285Arg)

Gene: MTTP (microsomal triglyceride transfer protein; plus strand). Cytogenetic location: 4q23.
Variant type: single nucleotide variant.
Coding change: c.854C>G on transcript NM_001386140.1 (MANE Select); coding-DNA position 854, C replaced by G.
Protein change: p.Thr285Arg; replaces threonine 285 with arginine.
Molecular consequence: missense variant.
Genome position (GRCh38, 1-based): chr4:99,594,828, C>G. VCF-style: chr4-99594828-C-G. GRCh37 (hg19) VCF-style: chr4-100515985-C-G.
Other names: c.854C>G, p.Thr285Arg (NM_000253.4); c.605C>G, p.Thr202Arg (NM_001300785.2); c.854C>G (NM_000253.2); short protein forms T202R, T285R.
Identifiers: ClinVar variation 2202559 (VCV002202559.2), dbSNP rs566965111, ClinGen allele CA3021958.

ClinVar aggregate classification (germline): Uncertain significance. Review status: criteria provided, multiple submitters, no conflicts (2 of 4 stars). 2 submissions from 2 submitters: Uncertain significance (2). Last evaluated 2022-11-30.

Conditions:
Inborn genetic diseases. Identifiers: MedGen C0950123, MeSH D030342.

gnomAD v4.1: 96 of 1,613,866 alleles (0.0059%); highest among the groups gnomAD compares: Non-Finnish European, 0.0076%; no homozygotes.

Submissions (2):

Ambry Genetics
Classification: Uncertain significance for Inborn genetic diseases. Last evaluated: 2022-11-30. Review status: criteria provided, single submitter. Criteria: Ambry Variant Classification Scheme 2023. Collection method: clinical testing. Allele origin: germline.

Labcorp Genetics (formerly Invitae), Labcorp
Classification: Uncertain significance. Last evaluated: 2022-08-31. Review status: criteria provided, single submitter. Criteria: Invitae Variant Classification Sherloc (09022015). Collection method: clinical testing. Allele origin: germline.
Comment: This sequence change replaces threonine, which is neutral and polar, with arginine, which is basic and polar, at codon 285 of the MTTP protein (p.Thr285Arg). This variant is present in population databases (rs566965111, gnomAD 0.003%). This variant has not been reported in the literature in individuals affected with MTTP-related conditions. Algorithms developed to predict the effect of missense changes on protein structure and function output the following: SIFT: "Tolerated"; PolyPhen-2: "Benign"; Align-GVGD: "Class C0". The arginine amino acid residue is found in multiple mammalian species, which suggests that this missense change does not adversely affect protein function. In summary, the available evidence is currently insufficient to determine the role of this variant in disease. Therefore, it has been classified as a Variant of Uncertain Significance.